The following is an entry in ClinVar:

ClinVar aggregate classification (germline): Likely benign (1 of 4 stars; one submission).

gnomAD v4.1: 105 of 1,598,946 alleles (0.0066%); highest among the groups gnomAD compares: Middle Eastern, 0.066%; no homozygotes.

Submission:

CeGaT Center for Human Genetics Tuebingen
Classification: Likely benign. Last evaluated: 2026-02-01. Review status: criteria provided, single submitter. Criteria: CeGaT Center For Human Genetics Tuebingen Variant Classification Criteria Version 2. Collection method: clinical testing. Allele origin: germline. Affected: yes. Observed: 1 variant allele.
Comment: RREB1: BP4, BP7

NM_001003699.4(RREB1):c.393C>T (p.Gly131=)

Gene: RREB1 (ras responsive element binding protein 1; plus strand). Cytogenetic location: 6p24.3.
Variant type: single nucleotide variant.
Coding change: c.393C>T on transcript NM_001003699.4 (MANE Select); coding-DNA position 393, C replaced by T.
Protein change: p.Gly131=; no amino-acid change (glycine 131 retained).
Molecular consequence: synonymous variant.
Genome position (GRCh38, 1-based): chr6:7,189,290, C>T. VCF-style: chr6-7189290-C-T. GRCh37 (hg19) VCF-style: chr6-7189523-C-T.
Other names: c.393C>T, p.Gly131= (NM_001003698.4, NM_001003700.2, NM_001168344.2).
Identifiers: ClinVar variation 4820742 (VCV004820742.4).